The following is an entry in ClinVar:

NM_170707.4(LMNA):c.893G>A (p.Arg298His)

Gene: LMNA (lamin A/C; plus strand). Cytogenetic location: 1q22.
Variant type: single nucleotide variant.
Coding change: c.893G>A on transcript NM_170707.4 (MANE Select); coding-DNA position 893, G replaced by A.
Protein change: p.Arg298His; replaces arginine 298 with histidine.
Molecular consequence: missense variant.
Genome position (GRCh38, 1-based): chr1:156,135,269, G>A. VCF-style: chr1-156135269-G-A. GRCh37 (hg19) VCF-style: chr1-156105060-G-A.
Other names: c.557G>A, p.Arg186His (NM_001257374.3, NM_001406989.1, NM_001406998.1); c.650G>A, p.Arg217His (NM_001282624.2, NM_001406986.1, NM_001406987.1); c.893G>A, p.Arg298His (NM_001282625.2, NM_001282626.2, NM_001406983.1 and 6 more transcripts); c.596G>A, p.Arg199His (NM_001406988.1); c.335G>A, p.Arg112His (NM_001406990.1, NM_001406993.1, NM_001406995.1 and 4 more transcripts); c.229G>A, p.Ala77Thr (NM_001406994.1, NM_001406999.1, NM_001407000.1 and 1 more transcripts); short protein forms A77T, R217H, R112H, R199H, R186H, R298H.
Identifiers: ClinVar variation 2159261 (VCV002159261.22), dbSNP rs762653476, ClinGen allele CA31011856.

ClinVar aggregate classification (germline): Conflicting classifications of pathogenicity. Review status: criteria provided, conflicting classifications (1 of 4 stars). 5 submissions from 5 submitters: Likely pathogenic (2); Uncertain significance (3). Last evaluated 2025-06-18.

Conditions:
Charcot-Marie-Tooth disease type 2. Also called: Charcot-Marie-Tooth type 2. Identifiers: Orphanet 64746, MedGen C0270914, MONDO:0018993.
Primary dilated cardiomyopathy (DCM). Also called: Dilated Cardiomyopathy. Identifiers: Orphanet 217604, MedGen C0007193, MeSH D002311, MONDO:0005021, HP:0001644. Inheritance: Various modes of inheritance.
Cardiomyopathy (CMYO). Also called: Cardiomyopathies. Identifiers: Orphanet 167848, MedGen C0878544, MONDO:0004994, HP:0001638. Inheritance: Various modes of inheritance.

Allele frequency attached by ClinVar (database versions not stated): gnomAD 0.00001.
gnomAD v4.1: 11 of 1,613,444 alleles (0.00068%); highest among the groups gnomAD compares: African/African-American, 0.0027%; no homozygotes.

Submissions (5):

GeneDx
Classification: Likely pathogenic. Last evaluated: 2025-06-18. Review status: criteria provided, single submitter. Criteria: GeneDx Variant Classification Process June 2021. Collection method: clinical testing. Allele origin: germline. Affected: yes.
Comment: Not observed at significant frequency in large population cohorts (gnomAD); In silico analysis supports that this missense variant has a deleterious effect on protein structure/function; Has not been previously reported as pathogenic or benign in association with neurodevelopmental disorders to our knowledge; This variant is associated with the following publications: (PMID: 10939567, 31264968, 22331516, 14607793, 11799477, 30340945)

Labcorp Genetics (formerly Invitae), Labcorp
Classification: Likely pathogenic for Charcot-Marie-Tooth disease type 2. Last evaluated: 2025-04-30. Review status: criteria provided, single submitter. Criteria: Invitae Variant Classification Sherloc (09022015). Collection method: clinical testing. Allele origin: germline.
Comment: This sequence change replaces arginine, which is basic and polar, with histidine, which is basic and polar, at codon 298 of the LMNA protein (p.Arg298His). This variant is not present in population databases (gnomAD no frequency). This variant has not been reported in the literature in individuals affected with LMNA-related conditions. ClinVar contains an entry for this variant (Variation ID: 2159261). Invitae Evidence Modeling of protein sequence and biophysical properties (such as structural, functional, and spatial information, amino acid conservation, physicochemical variation, residue mobility, and thermodynamic stability) indicates that this missense variant is expected to disrupt LMNA protein function with a positive predictive value of 95%. This variant disrupts the p.Arg298 amino acid residue in LMNA. Other variant(s) that disrupt this residue have been determined to be pathogenic (PMID: 14607793, 17347251, 18549403). This suggests that this residue is clinically significant, and that variants that disrupt this residue are likely to be disease-causing. In summary, the currently available evidence indicates that the variant is pathogenic, but additional data are needed to prove that conclusively. Therefore, this variant has been classified as Likely Pathogenic.

Color Diagnostics, LLC DBA Color Health
Classification: Uncertain significance for Cardiomyopathy. Last evaluated: 2024-12-06. Review status: criteria provided, single submitter. Criteria: ACMG Guidelines, 2015. Collection method: clinical testing. Allele origin: germline.
Comment: This missense variant replaces arginine with histidine at codon 298 of the LMNA protein. Computational prediction suggests that this variant may have a deleterious impact on protein structure and function. To our knowledge, functional studies have not been reported for this variant. This variant has not been reported in individuals affected with LMNA-related disorders in the literature. This variant has not been identified in the general population by the Genome Aggregation Database (gnomAD). The available evidence is insufficient to determine the role of this variant in disease conclusively. Therefore, this variant is classified as a Variant of Uncertain Significance.

CeGaT Center for Human Genetics Tuebingen
Classification: Uncertain significance. Last evaluated: 2024-11-01. Review status: criteria provided, single submitter. Criteria: CeGaT Center For Human Genetics Tuebingen Variant Classification Criteria Version 2. Collection method: clinical testing. Allele origin: germline. Affected: yes. Observed: 1 variant allele.
Comment: LMNA: PM5, PM2:Supporting

All of Us Research Program, National Institutes of Health
Classification: Uncertain significance for Primary dilated cardiomyopathy. Last evaluated: 2023-11-30. Review status: criteria provided, single submitter. Criteria: ACMG Guidelines, 2015. Collection method: clinical testing. Allele origin: germline. Inheritance: Autosomal dominant inheritance. Observed: 1 variant allele, 1 heterozygote.
Comment: This study involves interpretation of variants in research participants for the purpose of population health screening. Participant phenotype was not available at the time of variant classification. Additional details can be found in publication PMID: 35346344, PMCID: PMC8962531

Literature cited by the submitters: PubMed 14607793 (cited by Labcorp Genetics (formerly Invitae), Labcorp); PubMed 17347251 (cited by Labcorp Genetics (formerly Invitae), Labcorp); PubMed 18549403 (cited by Labcorp Genetics (formerly Invitae), Labcorp).